The following is an entry in ClinVar:

ClinVar aggregate classification (germline): Likely benign. Review status: reviewed by expert panel (3 of 4 stars). 2 submissions from 2 submitters: Likely benign (1). 1 of the submissions does not count toward it. Last evaluated 2017-06-29.

Conditions:
Breast-ovarian cancer, familial, susceptibility to, 2 (BROVCA2). Also called: BRCA2 Hereditary Breast and Ovarian Cancer. Identifiers: Orphanet 145, MedGen C2675520, MONDO:0012933, OMIM 612555. Disease mechanism: loss of function.
Hereditary breast ovarian cancer syndrome. Also called: Hereditary breast and ovarian cancer syndrome; BRCA1- and BRCA2-Associated Hereditary Breast and Ovarian Cancer; Hereditary breast and/or ovarian cancer syndrome; Hereditary breast and ovarian cancer; Breast and ovarian cancer; Hereditary breast and ovarian cancer syndrome (HBOC). Identifiers: Orphanet 145, MedGen C0677776, MeSH D061325, MONDO:0003582. Disease mechanism: loss of function.

Submissions (2):

Evidence-based Network for the Interpretation of Germline Mutant Alleles (ENIGMA)
Classification: Likely benign for Breast-ovarian cancer, familial, susceptibility to, 2. Last evaluated: 2017-06-29. Review status: reviewed by expert panel. Criteria: ENIGMA BRCA1/2 Classification Criteria (2017-06-29). Collection method: curation. Allele origin: germline.
Comment: Synonymous substitution variant, with low bioinformatic likelihood to result in a splicing aberration (Splicing prior probability 0.02).

Labcorp Genetics (formerly Invitae), Labcorp
Classification: Likely benign for Hereditary breast ovarian cancer syndrome. Last evaluated: 2025-04-27. Review status: criteria provided, single submitter. Criteria: Invitae Variant Classification Sherloc (09022015). Collection method: clinical testing. Allele origin: germline. Not counted in ClinVar's aggregate classification.

NM_000059.4(BRCA2):c.288A>G (p.Lys96=)

Gene: BRCA2 (BRCA2 DNA repair associated; plus strand). Cytogenetic location: 13q13.1.
Variant type: single nucleotide variant.
Coding change: c.288A>G on transcript NM_000059.4 (MANE Select); coding-DNA position 288, A replaced by G.
Protein change: p.Lys96=; no amino-acid change (lysine 96 retained).
Molecular consequence: synonymous variant.
Genome position (GRCh38, 1-based): chr13:32,319,297, A>G. VCF-style: chr13-32319297-A-G. GRCh37 (hg19) VCF-style: chr13-32893434-A-G.
Identifiers: ClinVar variation 427410 (VCV000427410.13), dbSNP rs1131692133, ClinGen allele CA483436219.